The following is an entry in ClinVar:

NM_006060.6(IKZF1):c.672C>T (p.His224=)

Gene: IKZF1 (IKAROS family zinc finger 1; plus strand). Cytogenetic location: 7p12.2.
Variant type: single nucleotide variant.
Coding change: c.672C>T on transcript NM_006060.6 (MANE Select); coding-DNA position 672, C replaced by T.
Protein change: p.His224=; no amino-acid change (histidine 224 retained).
Molecular consequence: synonymous variant. On other transcripts: intron variant (9).
Genome position (GRCh38, 1-based): chr7:50,387,427, C>T. VCF-style: chr7-50387427-C-T. GRCh37 (hg19) VCF-style: chr7-50455125-C-T.
Other names: c.411C>T, p.His137= (NM_001220767.2, NM_001291838.2); c.243C>T, p.His81= (NM_001291841.1, NM_001291842.1); c.732C>T, p.His244= (NM_001410879.1); c.329-4302C>T (NM_001291839.2, NM_001220770.2); c.590-4302C>T (NM_001220765.3, NM_001291837.2); c.589+4720C>T (NM_001220768.2); c.421+10634C>T (NM_001220771.2); c.161-4302C>T (NM_001291843.1, NM_001291844.1); and 1 more.
Identifiers: ClinVar variation 2748907 (VCV002748907.3), dbSNP rs1272399019, ClinGen allele CA574297217.
Genomic context (GRCh38, chr7:50,387,427, plus strand): 5'-ATATTGTGGCCGAAGCTATAAACAGCGAAGCTCTTTAGAGGAACATAAAGAGCGCTGCCA[C>T]AACTACTTGGAAAGCATGGGCCTTCCGGGCACACTGTACCCAGGTAAGCGCTGCTGCTCG-3'
Protein context (NP_006051.1, residues 214-234): SSLEEHKERC[His224=]NYLESMGLPG

ClinVar aggregate classification (germline): Uncertain significance (1 of 4 stars; one submission).

Allele frequency attached by ClinVar (database versions not stated): gnomAD exomes below 0.00001; gnomAD 0.00001; TOPMed 0.00001.
gnomAD v4.1: 5 of 1,612,606 alleles (0.00031%); highest among the groups gnomAD compares: African/African-American, 0.0013%; no homozygotes.

Submission:

Labcorp Genetics (formerly Invitae), Labcorp
Classification: Uncertain significance. Last evaluated: 2023-08-06. Review status: criteria provided, single submitter. Criteria: Invitae Variant Classification Sherloc (09022015). Collection method: clinical testing. Allele origin: germline.
Comment: This sequence change affects codon 224 of the IKZF1 mRNA. It is a 'silent' change, meaning that it does not change the encoded amino acid sequence of the IKZF1 protein. The frequency data for this variant in the population databases is considered unreliable, as metrics indicate poor data quality at this position in the gnomAD database. This variant has not been reported in the literature in individuals affected with IKZF1-related conditions. Experimental studies and prediction algorithms are not available or were not evaluated, and the effect of this variant on mRNA splicing is currently unknown. In summary, the available evidence is currently insufficient to determine the role of this variant in disease. Therefore, it has been classified as a Variant of Uncertain Significance.